The following is an entry in ClinVar:

ClinVar aggregate classification (germline): Pathogenic (1 of 4 stars; one submission).

Allele frequency attached by ClinVar (database versions not stated): gnomAD exomes below 0.00001; ExAC 0.00001; gnomAD 0.00001.
gnomAD v4.1: 2 of 1,613,608 alleles (0.00012%); highest among the groups gnomAD compares: African/African-American, 0.0013%; no homozygotes.

Submission:

Labcorp Genetics (formerly Invitae), Labcorp
Classification: Pathogenic. Last evaluated: 2022-12-31. Review status: criteria provided, single submitter. Criteria: Invitae Variant Classification Sherloc (09022015). Collection method: clinical testing. Allele origin: germline.
Comment: For these reasons, this variant has been classified as Pathogenic. This variant has not been reported in the literature in individuals affected with CHRNG-related conditions. This variant is present in population databases (rs771796518, gnomAD 0.01%). This sequence change creates a premature translational stop signal (p.Gln375*) in the CHRNG gene. It is expected to result in an absent or disrupted protein product. Loss-of-function variants in CHRNG are known to be pathogenic (PMID: 16826520).

Literature cited by the submitters: PubMed 16826520.

NM_005199.5(CHRNG):c.1123C>T (p.Gln375Ter)

Genes: CHRNG (cholinergic receptor nicotinic gamma subunit; plus strand), TIGD1 (tigger transposable element derived 1; minus strand). Cytogenetic location: 2q37.1.
Variant type: single nucleotide variant.
Coding change: c.1123C>T on transcript NM_005199.5 (MANE Select); coding-DNA position 1123, C replaced by T.
Protein change: p.Gln375Ter; replaces glutamine 375 with a stop codon.
Molecular consequence: nonsense. On other transcripts: 3 prime UTR variant (1).
Genome position (GRCh38, 1-based): chr2:232,544,454, C>T. VCF-style: chr2-232544454-C-T. GRCh37 (hg19) VCF-style: chr2-233409164-C-T.
Other names: c.*3653G>A (NM_145702.4); short protein forms Q375*.
Identifiers: ClinVar variation 2862202 (VCV002862202.3), dbSNP rs771796518, ClinGen allele CA2168946.